The following is an entry in ClinVar:

ClinVar aggregate classification (germline): Likely pathogenic (1 of 4 stars; one submission).

Conditions:
Fanconi anemia (FA). Also called: Fanconi's anemia. Identifiers: Orphanet 84, MedGen C0015625, MeSH D005199, MONDO:0019391.

Submission:

Labcorp Genetics (formerly Invitae), Labcorp
Classification: Likely pathogenic for Fanconi anemia. Last evaluated: 2024-07-22. Review status: criteria provided, single submitter. Criteria: Invitae Variant Classification Sherloc (09022015). Collection method: clinical testing. Allele origin: germline.
Comment: This variant results in the deletion of part of exon 26 (c.2317-27_2391delins16) of the FANCA gene. It is expected to disrupt RNA splicing. Variants that disrupt the donor or acceptor splice site typically lead to a loss of protein function (PMID: 16199547), and loss-of-function variants in FANCA are known to be pathogenic (PMID: 19367192). This variant is not present in population databases (gnomAD no frequency). This variant has not been reported in the literature in individuals affected with FANCA-related conditions. In summary, the currently available evidence indicates that the variant is pathogenic, but additional data are needed to prove that conclusively. Therefore, this variant has been classified as Likely Pathogenic.

Literature cited by the submitters: PubMed 16199547; PubMed 19367192.

NM_000135.4(FANCA):c.2317-27_2391delinsTGAACTCCTGAGTGCA

Gene: FANCA (FA complementation group A; minus strand). Cytogenetic location: 16q24.3.
Variant type: Indel.
Coding change: c.2317-27_2391delinsTGAACTCCTGAGTGCA on transcript NM_000135.4 (MANE Select); 27 bases into the intron before coding-DNA position 2317 through coding-DNA position 2391, the reference bases replaced by TGAACTCCTGAGTGCA.
Molecular consequence: splice acceptor variant.
Genome position (GRCh38, 1-based): chr16:89,769,950-89,770,051, 102 bases replaced. GRCh37 (hg19): chr16:89,836,358-89,836,459.
Other names: c.2317-27_2391delinsTGAACTCCTGAGTGCA (NM_001286167.3).
Identifiers: ClinVar variation 3654885 (VCV003654885.2).